The following is an entry in ClinVar:

ClinVar aggregate classification (germline): Uncertain significance (1 of 4 stars; one submission).

Submission:

Labcorp Genetics (formerly Invitae), Labcorp
Classification: Uncertain significance. Last evaluated: 2024-05-06. Review status: criteria provided, single submitter. Criteria: Invitae Variant Classification Sherloc (09022015). Collection method: clinical testing. Allele origin: germline.
Comment: This sequence change replaces isoleucine, which is neutral and non-polar, with arginine, which is basic and polar, at codon 469 of the FAM111A protein (p.Ile469Arg). This variant is not present in population databases (gnomAD no frequency). This variant has not been reported in the literature in individuals affected with FAM111A-related conditions. Advanced modeling of protein sequence and biophysical properties (such as structural, functional, and spatial information, amino acid conservation, physicochemical variation, residue mobility, and thermodynamic stability) performed at Invitae indicates that this missense variant is expected to disrupt FAM111A protein function with a positive predictive value of 80%. In summary, the available evidence is currently insufficient to determine the role of this variant in disease. Therefore, it has been classified as a Variant of Uncertain Significance.

NM_001312909.2(FAM111A):c.1406T>G (p.Ile469Arg)

Gene: FAM111A (FAM111 trypsin like peptidase A; plus strand). Cytogenetic location: 11q12.1.
Variant type: single nucleotide variant.
Coding change: c.1406T>G on transcript NM_001312909.2 (MANE Select); coding-DNA position 1406, T replaced by G.
Protein change: p.Ile469Arg; replaces isoleucine 469 with arginine.
Molecular consequence: missense variant.
Genome position (GRCh38, 1-based): chr11:59,153,074, T>G. VCF-style: chr11-59153074-T-G. GRCh37 (hg19) VCF-style: chr11-58920547-T-G.
Other names: c.1406T>G, p.Ile469Arg (NM_001374867.1, NM_001374858.1, NM_001374859.1 and 29 more transcripts); short protein forms I469R.
Identifiers: ClinVar variation 3713979 (VCV003713979.2).